The following is an entry in ClinVar:

ClinVar aggregate classification (germline): Uncertain significance (1 of 4 stars; one submission).

Submission:

Labcorp Genetics (formerly Invitae), Labcorp
Classification: Uncertain significance. Last evaluated: 2022-06-18. Review status: criteria provided, single submitter. Criteria: Invitae Variant Classification Sherloc (09022015). Collection method: clinical testing. Allele origin: germline.
Comment: In summary, the available evidence is currently insufficient to determine the role of this variant in disease. Therefore, it has been classified as a Variant of Uncertain Significance. Algorithms developed to predict the effect of missense changes on protein structure and function are either unavailable or do not agree on the potential impact of this missense change (SIFT: "Tolerated"; PolyPhen-2: "Possibly Damaging"; Align-GVGD: "Class C0"). This variant has not been reported in the literature in individuals affected with TGFB1-related conditions. This variant is not present in population databases (gnomAD no frequency). This sequence change replaces lysine, which is basic and polar, with asparagine, which is neutral and polar, at codon 161 of the TGFB1 protein (p.Lys161Asn).

NM_000660.7(TGFB1):c.483G>T (p.Lys161Asn)

Gene: TGFB1 (transforming growth factor beta 1; minus strand). Cytogenetic location: 19q13.2.
Variant type: single nucleotide variant.
Coding change: c.483G>T on transcript NM_000660.7 (MANE Select); coding-DNA position 483, G replaced by T.
Protein change: p.Lys161Asn; replaces lysine 161 with asparagine.
Molecular consequence: missense variant.
Genome position (GRCh38, 1-based): chr19:41,348,328, C>A on the plus strand (G>T on the coding strand, the complement: TGFB1 is on the minus strand). VCF-style: chr19-41348328-C-A. GRCh37 (hg19) VCF-style: chr19-41854233-C-A.
Other names: short protein forms K161N.
Identifiers: ClinVar variation 2008150 (VCV002008150.4), dbSNP rs2513386879, ClinGen allele CA406003571.